The following is an entry in ClinVar:

NM_001377405.1(ATXN7):c.2120G>A (p.Arg707His)

Gene: ATXN7 (ataxin 7; plus strand). Cytogenetic location: 3p14.1.
Variant type: single nucleotide variant.
Coding change: c.2120G>A on transcript NM_001377405.1 (MANE Select); coding-DNA position 2120, G replaced by A.
Protein change: p.Arg707His; replaces arginine 707 with histidine.
Molecular consequence: missense variant.
Genome position (GRCh38, 1-based): chr3:63,995,942, G>A. VCF-style: chr3-63995942-G-A. GRCh37 (hg19) VCF-style: chr3-63981618-G-A.
Other names: c.2120G>A, p.Arg707His (NM_000333.4, NM_001177387.1, NM_001377406.1); c.1685G>A, p.Arg562His (NM_001128149.3); short protein forms R562H, R707H.
Identifiers: ClinVar variation 1691553 (VCV001691553.3), dbSNP rs368917711, ClinGen allele CA2478753.

ClinVar aggregate classification (germline): Uncertain significance (1 of 4 stars; one submission).

Conditions:
Spinocerebellar ataxia 7 (SCA7). Also called: OLIVOPONTOCEREBELLAR ATROPHY III; Autosomal dominant cerebellar ataxia type 2; Autosomal dominant cerebellar ataxia type II; OPCA III; OPCA WITH MACULAR DEGENERATION AND EXTERNAL OPHTHALMOPLEGIA; OPCA WITH RETINAL DEGENERATION. Identifiers: Orphanet 208508, Orphanet 94147, MedGen C0752125, MONDO:0016163, OMIM 164500.

Allele frequency attached by ClinVar (database versions not stated): gnomAD exomes 0.00003; ExAC 0.00004; gnomAD 0.00004; TOPMed 0.00004; ESP Exome Variant Server 0.00016.
gnomAD v4.1: 106 of 1,613,992 alleles (0.0066%); highest among the groups gnomAD compares: Non-Finnish European, 0.0081%; no homozygotes.

Submission:

Centre of Medical Genetics, University Hospital Muenster
Classification: Uncertain significance for Spinocerebellar ataxia 7. Last evaluated: 2022-05-03. Review status: criteria provided, single submitter. Criteria: ACMG Guidelines, 2015. Collection method: clinical testing. Allele origin: unknown. Affected: yes. Observed: 1 variant allele, 1 heterozygote.
Comment: ACMG categories: PM2,PP3,BP1